The following is an entry in ClinVar:

NM_001017979.3(RAB28):c.304G>A (p.Glu102Lys)

Gene: RAB28 (RAB28, member RAS oncogene family; minus strand). Cytogenetic location: 4p15.33.
Variant type: single nucleotide variant.
Coding change: c.304G>A on transcript NM_001017979.3 (MANE Select); coding-DNA position 304, G replaced by A.
Protein change: p.Glu102Lys; replaces glutamic acid 102 with lysine.
Molecular consequence: missense variant.
Genome position (GRCh38, 1-based): chr4:13,460,786, C>T on the plus strand (G>A on the coding strand, the complement: RAB28 is on the minus strand). VCF-style: chr4-13460786-C-T. GRCh37 (hg19) VCF-style: chr4-13462410-C-T.
Other names: c.304G>A, p.Glu102Lys (NM_001159601.2, NM_004249.4); short protein forms E102K.
Identifiers: ClinVar variation 846398 (VCV000846398.9), dbSNP rs554015222, ClinGen allele CA2860117.

ClinVar aggregate classification (germline): Uncertain significance. Review status: criteria provided, multiple submitters, no conflicts (2 of 4 stars). 2 submissions from 2 submitters: Uncertain significance (2). Last evaluated 2023-09-03.

Allele frequency attached by ClinVar (database versions not stated): gnomAD 0.00002 and 0.00010; TOPMed 0.00002; gnomAD exomes 0.00021; ExAC 0.00026; 1000 Genomes Project 30x 0.00141; 1000 Genomes Project 0.00160.
gnomAD v4.1: 171 of 1,613,754 alleles (0.011%); highest among the groups gnomAD compares: South Asian, 0.18%; 1 homozygote.

Submissions (2):

Labcorp Genetics (formerly Invitae), Labcorp
Classification: Uncertain significance. Last evaluated: 2023-09-03. Review status: criteria provided, single submitter. Criteria: Invitae Variant Classification Sherloc (09022015). Collection method: clinical testing. Allele origin: germline.
Comment: In summary, the available evidence is currently insufficient to determine the role of this variant in disease. Therefore, it has been classified as a Variant of Uncertain Significance. An algorithm developed to predict the effect of missense changes on protein structure and function (PolyPhen-2) suggests that this variant is likely to be disruptive. ClinVar contains an entry for this variant (Variation ID: 846398). This variant has not been reported in the literature in individuals affected with RAB28-related conditions. This variant is present in population databases (rs554015222, gnomAD 0.2%). This sequence change replaces glutamic acid, which is acidic and polar, with lysine, which is basic and polar, at codon 102 of the RAB28 protein (p.Glu102Lys).

Blueprint Genetics
Classification: Uncertain significance. Last evaluated: 2023-04-10. Review status: criteria provided, single submitter. Criteria: ACMG Guidelines, 2015. Collection method: clinical testing. Allele origin: germline.